The following is an entry in ClinVar:

NM_145020.5(CFAP53):c.1282G>T (p.Glu428Ter)

Gene: CFAP53 (cilia and flagella associated protein 53; minus strand). Cytogenetic location: 18q21.1.
Variant type: single nucleotide variant.
Coding change: c.1282G>T on transcript NM_145020.5 (MANE Select); coding-DNA position 1282, G replaced by T.
Protein change: p.Glu428Ter; replaces glutamic acid 428 with a stop codon.
Molecular consequence: nonsense.
Genome position (GRCh38, 1-based): chr18:50,238,637, C>A on the plus strand (G>T on the coding strand, the complement: CFAP53 is on the minus strand). VCF-style: chr18-50238637-C-A. GRCh37 (hg19) VCF-style: chr18-47765007-C-A.
Other names: short protein forms E428*.
Identifiers: ClinVar variation 1494109 (VCV001494109.4), dbSNP rs199505634, ClinGen allele CA8962143.

ClinVar aggregate classification (germline): Conflicting classifications of pathogenicity. Review status: criteria provided, conflicting classifications (1 of 4 stars). 2 submissions from 2 submitters: Pathogenic (1); Uncertain significance (1). Last evaluated 2025-08-18.

Conditions:
Heterotaxy, visceral, 6, autosomal (HTX6). Also called: Heterotaxy, visceral, 6, autosomal recessive. Identifiers: Orphanet 450, MedGen C3553676, MONDO:0013887, OMIM 614779.

Allele frequency attached by ClinVar (database versions not stated): ESP Exome Variant Server 0.00008; gnomAD 0.00010; TOPMed 0.00011; gnomAD exomes 0.00012 and 0.00027; 1000 Genomes Project 30x 0.00016; 1000 Genomes Project 0.00020; ExAC 0.00021.
gnomAD v4.1: 200 of 1,610,912 alleles (0.012%); highest among the groups gnomAD compares: Middle Eastern, 0.099%; no homozygotes.

Submissions (2):

Variantyx, Inc.
Classification: Pathogenic for Heterotaxy, visceral, 6, autosomal. Last evaluated: 2025-08-18. Review status: criteria provided, single submitter. Criteria: Variantyx Assertion Criteria 2022. Collection method: clinical testing. Allele origin: germline. Inheritance: Autosomal recessive inheritance. Affected: no.
Comment: This is a nonsense variant in the CFAP53 gene (OMIM: 614759). Pathogenic variants in this gene have been associated with autosomal recessive visceral heterotaxy 6. This variant introduces a premature termination codon in exon 7 out of 8and is expected to result in loss of function, which is a known disease mechanism for CFAP53 in this disorder (PMID: 22577226, 25504577, 26531781) (PVS1). This variant has been identified in the homozygous or compound heterozygous state in at least one individual reported in the published literature (PMID: 37041101), and in previous internal cases (PM3). It has a 0.0471% maximum allele frequency in non-founder control populations (PM2). Based on the current evidence, this variant is classified as pathogenic for autosomal recessive visceral heterotaxy 6.No other variant of clinical significance was identified in the CFAP53 gene.

Labcorp Genetics (formerly Invitae), Labcorp
Classification: Uncertain significance for Heterotaxy, visceral, 6, autosomal. Last evaluated: 2022-05-29. Review status: criteria provided, single submitter. Criteria: Invitae Variant Classification Sherloc (09022015). Collection method: clinical testing. Allele origin: germline.
Comment: This sequence change creates a premature translational stop signal (p.Glu428*) in the CFAP53 gene. While this is not anticipated to result in nonsense mediated decay, it is expected to disrupt the last 87 amino acid(s) of the CFAP53 protein. This variant is present in population databases (rs199505634, gnomAD 0.2%). This variant has not been reported in the literature in individuals affected with CFAP53-related conditions. ClinVar contains an entry for this variant (Variation ID: 1494109). Experimental studies and prediction algorithms are not available or were not evaluated, and the functional significance of this variant is currently unknown. In summary, the available evidence is currently insufficient to determine the role of this variant in disease. Therefore, it has been classified as a Variant of Uncertain Significance.

Literature cited by the submitters: PubMed 37041101 (cited by Variantyx, Inc.); PubMed 22577226 (cited by Variantyx, Inc.); PubMed 25504577 (cited by Variantyx, Inc.); PubMed 26531781 (cited by Variantyx, Inc.).